The following is an entry in ClinVar:

NM_002386.4(MC1R):c.800G>A (p.Cys267Tyr)

Gene: MC1R (melanocortin 1 receptor; plus strand). Cytogenetic location: 16q24.3.
Variant type: single nucleotide variant.
Coding change: c.800G>A on transcript NM_002386.4 (MANE Select); coding-DNA position 800, G replaced by A.
Protein change: p.Cys267Tyr; replaces cysteine 267 with tyrosine.
Molecular consequence: missense variant.
Genome position (GRCh38, 1-based): chr16:89,920,058, G>A. VCF-style: chr16-89920058-G-A. GRCh37 (hg19) VCF-style: chr16-89986466-G-A.
Other names: short protein forms C267Y.
Identifiers: ClinVar variation 3014861 (VCV003014861.3), dbSNP rs1555623887, ClinGen allele CA397463318.

ClinVar aggregate classification (germline): Uncertain significance (1 of 4 stars; one submission).

Conditions:
Melanoma, cutaneous malignant, susceptibility to, 5. Also called: Cutaneous malignant melanoma 5. Identifiers: Orphanet 618, MedGen C2751295, MONDO:0013133, OMIM 613099.

Submission:

Labcorp Genetics (formerly Invitae), Labcorp
Classification: Uncertain significance for Melanoma, cutaneous malignant, susceptibility to, 5. Last evaluated: 2024-04-05. Review status: criteria provided, single submitter. Criteria: Invitae Variant Classification Sherloc (09022015). Collection method: clinical testing. Allele origin: germline.
Comment: This sequence change replaces cysteine, which is neutral and slightly polar, with tyrosine, which is neutral and polar, at codon 267 of the MC1R protein (p.Cys267Tyr). This variant is not present in population databases (gnomAD no frequency). This variant has not been reported in the literature in individuals affected with MC1R-related conditions. Advanced modeling of protein sequence and biophysical properties (such as structural, functional, and spatial information, amino acid conservation, physicochemical variation, residue mobility, and thermodynamic stability) has been performed at Invitae for this missense variant, however the output from this modeling did not meet the statistical confidence thresholds required to predict the impact of this variant on MC1R protein function. In summary, the available evidence is currently insufficient to determine the role of this variant in disease. Therefore, it has been classified as a Variant of Uncertain Significance.